The following is an entry in ClinVar:

ClinVar aggregate classification (germline): Uncertain significance. Review status: criteria provided, multiple submitters, no conflicts (2 of 4 stars). 2 submissions from 2 submitters: Uncertain significance (2). Last evaluated 2024-01-09.

Conditions:
Inborn genetic diseases. Identifiers: MedGen C0950123, MeSH D030342.

Allele frequency attached by ClinVar (database versions not stated): gnomAD 0.00001; gnomAD exomes 0.00001; ExAC 0.00002; TOPMed 0.00004; 1000 Genomes Project 30x 0.00016; 1000 Genomes Project 0.00020.
gnomAD v4.1: 23 of 1,613,568 alleles (0.0014%); highest among the groups gnomAD compares: East Asian, 0.011%; no homozygotes.

Submissions (2):

Ambry Genetics
Classification: Uncertain significance for Inborn genetic diseases. Last evaluated: 2024-01-09. Review status: criteria provided, single submitter. Criteria: Ambry Variant Classification Scheme 2023. Collection method: clinical testing. Allele origin: germline.

Labcorp Genetics (formerly Invitae), Labcorp
Classification: Uncertain significance. Last evaluated: 2022-07-25. Review status: criteria provided, single submitter. Criteria: Invitae Variant Classification Sherloc (09022015). Collection method: clinical testing. Allele origin: germline.
Comment: This sequence change replaces arginine, which is basic and polar, with glutamine, which is neutral and polar, at codon 588 of the ITGA8 protein (p.Arg588Gln). In summary, the available evidence is currently insufficient to determine the role of this variant in disease. Therefore, it has been classified as a Variant of Uncertain Significance. Algorithms developed to predict the effect of missense changes on protein structure and function are either unavailable or do not agree on the potential impact of this missense change (SIFT: "Deleterious"; PolyPhen-2: "Probably Damaging"; Align-GVGD: "Class C0"). This variant has not been reported in the literature in individuals affected with ITGA8-related conditions. This variant is present in population databases (rs117792487, gnomAD 0.007%).

NM_003638.3(ITGA8):c.1763G>A (p.Arg588Gln)

Gene: ITGA8 (integrin subunit alpha 8; minus strand). Cytogenetic location: 10p13.
Variant type: single nucleotide variant.
Coding change: c.1763G>A on transcript NM_003638.3 (MANE Select); coding-DNA position 1763, G replaced by A.
Protein change: p.Arg588Gln; replaces arginine 588 with glutamine.
Molecular consequence: missense variant.
Genome position (GRCh38, 1-based): chr10:15,607,678, C>T on the plus strand (G>A on the coding strand, the complement: ITGA8 is on the minus strand). VCF-style: chr10-15607678-C-T. GRCh37 (hg19) VCF-style: chr10-15649677-C-T.
Other names: c.1718G>A, p.Arg573Gln (NM_001291494.2); c.1763G>A (NM_003638.1); short protein forms R573Q, R588Q.
Identifiers: ClinVar variation 2414359 (VCV002414359.6), dbSNP rs117792487, ClinGen allele CA5420090.